The following is an entry in ClinVar:

NM_006214.4(PHYH):c.511_515delinsTCT (p.Arg171fs)

Gene: PHYH (phytanoyl-CoA 2-hydroxylase; minus strand). Cytogenetic location: 10p13.
Variant type: Indel.
Coding change: c.511_515delinsTCT on transcript NM_006214.4 (MANE Select); coding-DNA positions 511 to 515, CGTCA replaced by TCT.
Protein change: p.Arg171fs; shifts the reading frame from arginine 171.
Molecular consequence: frameshift variant. On other transcripts: intron variant (1).
Genome position (GRCh38, 1-based): chr10:13,288,523-13,288,527, TGACG replaced by AGA on the plus strand (CGTCA replaced by TCT on the coding strand, the reverse complement: PHYH is on the minus strand). VCF-style: chr10-13288523-TGACG-AGA. GRCh37 (hg19) VCF-style: chr10-13330523-TGACG-AGA.
Other names: c.211_215delinsTCT, p.Arg71fs (NM_001037537.2, NM_001323080.2); c.517_521delinsTCT, p.Arg173fs (NM_001323082.2); c.217_221delinsTCT, p.Arg73fs (NM_001323084.2); c.415-4688_415-4684delinsTCT (NM_001323083.2); short protein forms R171fs, R173fs, R71fs, R73fs.
Identifiers: ClinVar variation 5010696 (VCV005010696.1).
Genomic context (GRCh38, chr10:13,288,523, plus strand): 5'-GCGCAAACGATGAGATCGCTGGGCCTGAAGGGGAAATAGTGCAGGTCCTGGTGCAGGGGG[TGACG>AGA]GGACGTCTTCTTGCCTGAAAAGAAAACCTGCTACTAAAGGATACTCGAGGCCGAGTGCAG-3'

ClinVar aggregate classification (germline): Pathogenic (1 of 4 stars; one submission).

Conditions:
Refsum disease, classic. Also called: HEREDOPATHIA ATACTICA POLYNEURITIFORMIS; HMSN IV; PHYTANIC ACID OXIDASE DEFICIENCY; PHYH-Related Refsum Disease. Identifiers: Orphanet 773, MedGen C5780941, MONDO:1060256, OMIM 266500. Disease mechanism: loss of function.

Submission:

Myriad Genetics, Inc.
Classification: Pathogenic for Refsum disease, classic. Last evaluated: 2024-05-14. Review status: criteria provided, single submitter. Criteria: Myriad Autosomal Dominant, Autosomal Recessive and X-Linked Classification Criteria (2023). Collection method: clinical testing. Allele origin: unknown.
Comment: NM_006214.3(PHYH):c.511_515del5ins3(R171Sfs*59) is expected to be pathogenic in the context of Refsum disease, PHYH-related. This variant is predicted to lead to an abnormal or absent protein product due to the creation of a premature termination codon in PHYH, a gene where loss-of-function variants are known to be pathogenic. Please note: this variant was assessed in the context of healthy population screening.